The following is an entry in ClinVar:

ClinVar aggregate classification (germline): Conflicting classifications of pathogenicity. Review status: criteria provided, conflicting classifications (1 of 4 stars). 3 submissions from 3 submitters: Uncertain significance (1); Likely benign (1). 1 of the submissions does not count toward it. Last evaluated 2026-01-19.

Conditions:
ATL3-related disorder. Also called: ATL3-related condition.
Neuropathy, hereditary sensory, type 1F. Also called: HSN IF; Hereditary sensory neuropathy type IF. Identifiers: Orphanet 36386, MedGen C3810194, MONDO:0014286, OMIM 615632.
Inborn genetic diseases. Identifiers: MedGen C0950123, MeSH D030342.

Allele frequency attached by ClinVar (database versions not stated): gnomAD exomes 0.00001 and 0.00002; ExAC 0.00003; gnomAD 0.00005; TOPMed 0.00005.
gnomAD v4.1: 23 of 1,604,986 alleles (0.0014%); highest among the groups gnomAD compares: Non-Finnish European, 0.0019%; no homozygotes.

Submissions (3):

Labcorp Genetics (formerly Invitae), Labcorp
Classification: Uncertain significance for Neuropathy, hereditary sensory, type 1F. Last evaluated: 2026-01-19. Review status: criteria provided, single submitter. Criteria: Invitae Variant Classification Sherloc (09022015). Collection method: clinical testing. Allele origin: germline.
Comment: This sequence change affects codon 513 of the ATL3 mRNA. It is a 'silent' change, meaning that it does not change the encoded amino acid sequence of the ATL3 protein. This variant also falls at the last nucleotide of exon 12, which is part of the consensus splice site for this exon. This variant is present in population databases (rs779242170, gnomAD 0.007%). This variant has not been reported in the literature in individuals affected with ATL3-related conditions. ClinVar contains an entry for this variant (Variation ID: 649263). Variants that disrupt the consensus splice site are a relatively common cause of aberrant splicing (PMID: 17576681, 9536098). Algorithms developed to predict the effect of sequence changes on RNA splicing suggest that this variant may disrupt the consensus splice site. In summary, the available evidence is currently insufficient to determine the role of this variant in disease. Therefore, it has been classified as a Variant of Uncertain Significance.

Ambry Genetics
Classification: Likely benign for Inborn genetic diseases. Last evaluated: 2019-09-21. Review status: criteria provided, single submitter. Criteria: Ambry Variant Classification Scheme 2023. Collection method: clinical testing. Allele origin: germline.

PreventionGenetics, part of Exact Sciences
Classification: Likely benign for ATL3-related condition. Last evaluated: 2019-03-28. Review status: no assertion criteria provided. Collection method: clinical testing. Allele origin: germline. Not counted in ClinVar's aggregate classification.
Comment: This variant is classified as likely benign based on ACMG/AMP sequence variant interpretation guidelines (Richards et al. 2015 PMID: 25741868, with internal and published modifications).

Literature cited by the submitters: PubMed 17576681 (cited by Labcorp Genetics (formerly Invitae), Labcorp); PubMed 9536098 (cited by Labcorp Genetics (formerly Invitae), Labcorp).

NM_015459.5(ATL3):c.1539G>A (p.Gln513=)

Genes: LNCROPM (lncRNA regulator of PLAAT3 mediated phospholipid metabolism; plus strand), ATL3 (atlastin GTPase 3; minus strand). Cytogenetic location: 11q13.1.
Variant type: single nucleotide variant.
Coding change: c.1539G>A on transcript NM_015459.5 (MANE Select); coding-DNA position 1539, G replaced by A.
Protein change: p.Gln513=; no amino-acid change (glutamine 513 retained).
Molecular consequence: synonymous variant.
Genome position (GRCh38, 1-based): chr11:63,631,040, C>T on the plus strand (G>A on the coding strand, the complement: ATL3 is on the minus strand). VCF-style: chr11-63631040-C-T. GRCh37 (hg19) VCF-style: chr11-63398512-C-T.
Other names: c.1485G>A, p.Gln495= (NM_001290048.2).
Identifiers: ClinVar variation 649263 (VCV000649263.12), dbSNP rs779242170, ClinGen allele CA6063501.